The following is an entry in ClinVar:

NM_007194.4(CHEK2):c.1582G>T (p.Glu528Ter)

Gene: CHEK2 (checkpoint kinase 2; minus strand). Cytogenetic location: 22q12.1.
Variant type: single nucleotide variant.
Coding change: c.1582G>T on transcript NM_007194.4 (MANE Select); coding-DNA position 1582, G replaced by T.
Protein change: p.Glu528Ter; replaces glutamic acid 528 with a stop codon.
Molecular consequence: nonsense.
Genome position (GRCh38, 1-based): chr22:28,687,947, C>A on the plus strand (G>T on the coding strand, the complement: CHEK2 is on the minus strand). VCF-style: chr22-28687947-C-A. GRCh37 (hg19) VCF-style: chr22-29083935-C-A.
Other names: c.1711G>T, p.Glu571Ter (NM_001005735.3); c.919G>T, p.Glu307Ter (NM_001257387.3); c.1381G>T, p.Glu461Ter (NM_001349956.3); c.1495G>T, p.Glu499Ter (NM_145862.3); short protein forms E528*, E307*, E499*, E571*, E461*.
Identifiers: ClinVar variation 496344 (VCV000496344.13), dbSNP rs138040612, ClinGen allele CA411091234.

ClinVar aggregate classification (germline): Uncertain significance. Review status: criteria provided, multiple submitters, no conflicts (2 of 4 stars). 4 submissions from 4 submitters: Uncertain significance (4). Last evaluated 2025-06-05.

Conditions:
Hereditary cancer-predisposing syndrome. Also called: Tumor predisposition; Neoplastic Syndromes, Hereditary; Hereditary neoplastic syndrome; Hereditary Cancer Syndrome. Identifiers: Orphanet 140162, MedGen C0027672, MeSH D009386, MONDO:0015356.
Familial cancer of breast. Also called: Hereditary breast cancer; hereditary breast carcinoma; BREAST CANCER, FAMILIAL. Identifiers: Orphanet 227535, MedGen C0346153, MONDO:0016419, OMIM 114480. Disease mechanism: loss of function.

Submissions (4):

Ambry Genetics
Classification: Uncertain significance for Hereditary cancer-predisposing syndrome. Last evaluated: 2025-06-05. Review status: criteria provided, single submitter. Criteria: Ambry Variant Classification Scheme 2023. Collection method: clinical testing. Allele origin: germline.
Comment: The p.E528* variant (also known as c.1582G>T), located in coding exon 14 of the CHEK2 gene, results from a G to T substitution at nucleotide position 1582. This changes the amino acid from a glutamic acid to a stop codon within coding exon 14. This alteration occurs at the 3' terminus of theCHEK2 gene, is not expected to trigger nonsense-mediated mRNAdecay, and only impacts the last 16 amino acids of the protein. The exact functional effect of this alteration is unknown. Since supporting evidence is limited at this time, the clinical significance of this alteration remains unclear.

Labcorp Genetics (formerly Invitae), Labcorp
Classification: Uncertain significance for Familial cancer of breast. Last evaluated: 2025-05-04. Review status: criteria provided, single submitter. Criteria: Invitae Variant Classification Sherloc (09022015). Collection method: clinical testing. Allele origin: germline.
Comment: This sequence change creates a premature translational stop signal (p.Glu528*) in the CHEK2 gene. While this is not anticipated to result in nonsense mediated decay, it is expected to disrupt the last 16 amino acid(s) of the CHEK2 protein. This variant is not present in population databases (gnomAD no frequency). This variant has not been reported in the literature in individuals affected with CHEK2-related conditions. ClinVar contains an entry for this variant (Variation ID: 496344). RNA analysis performed to evaluate the impact of this premature translational stop signal on mRNA splicing indicates it does not significantly alter splicing (internal data). In summary, the available evidence is currently insufficient to determine the role of this variant in disease. Therefore, it has been classified as a Variant of Uncertain Significance.

GeneDx
Classification: Uncertain significance. Last evaluated: 2023-03-06. Review status: criteria provided, single submitter. Criteria: GeneDx Variant Classification Process June 2021. Collection method: clinical testing. Allele origin: germline. Affected: yes.
Comment: Nonsense variant predicted to result in protein truncation as the last 16 amino acids are lost; Not observed at significant frequency in large population cohorts (gnomAD); Has not been previously published as pathogenic or benign to our knowledge

Women's Health and Genetics/Laboratory Corporation of America, LabCorp
Classification: Uncertain significance. Last evaluated: 2017-02-16. Review status: criteria provided, single submitter. Criteria: LabCorp Variant Classification Summary - May 2015. Collection method: clinical testing. Allele origin: germline.
Comment: Variant summary: The CHEK2 c.1582G>T (p.Glu528X) variant results in a premature termination codon, which is predicted to shorten the protein by 15 amino acids, which was indicated by InterPro to not harbor a known functional domain. The variant of interest was not observed in controls (ExAC), nor has it been, to our knowledge, reported in affected individuals via publications and/or databases/clinical diagnostic laboratories. To date, LCA has not classified any truncation variants downstream of this variant. In addition, ClinVar reports a downstream nonsense variant, c.1591G>T (p.Glu531X) as "uncertain significance." Therefore, due to the uncertainity of this variant being located relatively close to the termination stop codon, the variant of interest has been classified as a "Variant of Uncertain Significance (VUS)," until addtional information becomes available (ie, clinical and functional studies).